The following is an entry in ClinVar:

NM_018901.4(PCDHA10):c.1416C>G (p.His472Gln)

Genes: PCDHA1 (protocadherin alpha 1; plus strand), PCDHA10 (protocadherin alpha 10; plus strand), PCDHA2 (protocadherin alpha 2; plus strand), PCDHA3 (protocadherin alpha 3; plus strand), PCDHA4 (protocadherin alpha 4; plus strand) and 6 more. Cytogenetic location: 5q31.3.
Variant type: single nucleotide variant.
Coding change: c.1416C>G on transcript NM_018901.4 (MANE Select); coding-DNA position 1416, C replaced by G.
Protein change: p.His472Gln; replaces histidine 472 with glutamine.
Molecular consequence: missense variant. On other transcripts: intron variant (11).
Genome position (GRCh38, 1-based): chr5:140,857,464, C>G. VCF-style: chr5-140857464-C-G. GRCh37 (hg19) VCF-style: chr5-140237049-C-G.
Other names: c.1416C>G, p.His472Gln (NM_031859.3, NM_031860.3); c.2394+68780C>G (NM_018900.4); c.1602+69572C>G (NM_031411.3); c.2388+60112C>G (NM_018905.3); c.2394+53873C>G (NM_018906.3); c.2385+47892C>G (NM_018907.4); c.2352+33337C>G (NM_018908.3); c.2394+26979C>G (NM_018909.4); and 4 more; short protein forms H472Q.
Identifiers: ClinVar variation 2655779 (VCV002655779.24), dbSNP rs148598290, ClinGen allele CA3451180.

ClinVar aggregate classification (germline): Likely benign (1 of 4 stars; one submission).

Allele frequency attached by ClinVar (database versions not stated): TOPMed 0.00005; gnomAD 0.00014; ExAC 0.00018; ESP Exome Variant Server 0.00039.
gnomAD v4.1: 181 of 1,598,526 alleles (0.011%); highest among the groups gnomAD compares: Non-Finnish European, 0.011%; 14 homozygotes.

Submission:

CeGaT Center for Human Genetics Tuebingen
Classification: Likely benign. Last evaluated: 2022-10-01. Review status: criteria provided, single submitter. Criteria: CeGaT Center For Human Genetics Tuebingen Variant Classification Criteria Version 2. Collection method: clinical testing. Allele origin: germline. Affected: yes. Observed: 1 variant allele.
Comment: PCDHA10: BP4, BS2